The following is an entry in ClinVar:

ClinVar aggregate classification (germline): Likely pathogenic (1 of 4 stars; one submission).

Conditions:
Spondylometaphyseal dysplasia - Sutcliffe type. Also called: Spondylometaphyseal Dysplasia, Corner Fracture Type; Sutcliffe type of spondylometaphyseal dysplasia; Sutcliffe SMD; Spondylometaphyseal dysplasia, 'corner fracture' type. Identifiers: Orphanet 93315, MedGen C0432221, MONDO:0008479, OMIM 184255.

Submission:

Juno Genomics, Hangzhou Juno Genomics, Inc
Classification: Likely pathogenic for Spondylometaphyseal dysplasia - Sutcliffe type. Review status: criteria provided, single submitter. Criteria: ACMG Guidelines, 2015. Collection method: clinical testing. Allele origin: germline. Affected: yes.
Comment: Absent from controls (or at extremely low frequency if recessive) in Genome Aggregation Database.;Null variant in a gene where loss of function (LOF) is a known mechanism of disease.

NM_212482.4(FN1):c.5925C>A (p.Tyr1975Ter)

Genes: FN1 (fibronectin 1; minus strand), LOC126806496 (CDK7 strongly-dependent group 2 enhancer GRCh37_chr2:216240057-216241256; plus strand). Cytogenetic location: 2q35.
Variant type: single nucleotide variant.
Coding change: c.5925C>A on transcript NM_212482.4 (MANE Select); coding-DNA position 5925, C replaced by A.
Protein change: p.Tyr1975Ter; replaces tyrosine 1975 with a stop codon.
Molecular consequence: nonsense.
Genome position (GRCh38, 1-based): chr2:215,375,681, G>T on the plus strand (C>A on the coding strand, the complement: FN1 is on the minus strand). VCF-style: chr2-215375681-G-T. GRCh37 (hg19) VCF-style: chr2-216240404-G-T.
Other names: c.5925C>A, p.Tyr1975Ter (NM_001306129.2); c.5655C>A, p.Tyr1885Ter (NM_001306130.2, NM_001365517.2, NM_001365519.2 and 2 more transcripts); c.5382C>A, p.Tyr1794Ter (NM_001306131.2, NM_001306132.2, NM_001365523.2 and 2 more transcripts); c.5652C>A, p.Tyr1884Ter (NM_001365518.2, NM_001365520.2, NM_001365524.2 and 2 more transcripts); short protein forms Y1794*, Y1884*, Y1885*, Y1975*.
Identifiers: ClinVar variation 5019136 (VCV005019136.1).